The following is an entry in ClinVar:

ClinVar aggregate classification (germline): Benign (1 of 4 stars; one submission).

Allele frequency attached by ClinVar (database versions not stated): 1000 Genomes Project 0.07508; 1000 Genomes Project 30x 0.07558; TOPMed 0.08443; gnomAD 0.08527.
gnomAD v4.1: 59,218 of 779,706 alleles (7.6%); highest among the groups gnomAD compares: Middle Eastern, 12%; 2,485 homozygotes.

Submission:

GeneDx
Classification: Benign. Last evaluated: 2018-06-19. Review status: criteria provided, single submitter. Criteria: GeneDx Variant Classification (06012015). Collection method: clinical testing. Allele origin: germline. Affected: yes.
Comment: This variant is considered likely benign or benign based on one or more of the following criteria: it is a conservative change, it occurs at a poorly conserved position in the protein, it is predicted to be benign by multiple in silico algorithms, and/or has population frequency not consistent with disease.

NM_153717.3(EVC):c.2782+145G>T

Gene: EVC (EvC ciliary complex subunit 1; plus strand). Cytogenetic location: 4p16.2.
Variant type: single nucleotide variant.
Coding change: c.2782+145G>T on transcript NM_153717.3 (MANE Select); 145 bases into the intron after coding-DNA position 2782, G replaced by T.
Molecular consequence: intron variant.
Genome position (GRCh38, 1-based): chr4:5,809,756, G>T. VCF-style: chr4-5809756-G-T. GRCh37 (hg19) VCF-style: chr4-5811483-G-T.
Other names: c.2782+145G>T (NM_001306090.2).
Identifiers: ClinVar variation 667843 (VCV000667843.1), dbSNP rs28722043, ClinGen allele CA91727525.